The following is an entry in ClinVar:

ClinVar aggregate classification (germline): Uncertain significance (1 of 4 stars; one submission).

Conditions:
Episodic ataxia type 1 (EA1). Also called: PAROXYSMAL ATAXIA WITH NEUROMYOTONIA, HEREDITARY; ATAXIA, EPISODIC, WITH MYOKYMIA; Episodic ataxia/myokymia syndrome; MYOKYMIA WITH PERIODIC ATAXIA. Identifiers: Orphanet 37612, Orphanet 972, MedGen C1719788, MONDO:0008047, OMIM 160120.

Allele frequency attached by ClinVar (database versions not stated): ExAC 0.00001; gnomAD 0.00001; gnomAD exomes 0.00002; TOPMed 0.00002.

Submission:

Labcorp Genetics (formerly Invitae), Labcorp
Classification: Uncertain significance for Episodic ataxia type 1. Last evaluated: 2022-11-16. Review status: criteria provided, single submitter. Criteria: Invitae Variant Classification Sherloc (09022015). Collection method: clinical testing. Allele origin: germline.
Comment: In summary, the available evidence is currently insufficient to determine the role of this variant in disease. Therefore, it has been classified as a Variant of Uncertain Significance. Advanced modeling of protein sequence and biophysical properties (such as structural, functional, and spatial information, amino acid conservation, physicochemical variation, residue mobility, and thermodynamic stability) performed at Invitae indicates that this missense variant is not expected to disrupt KCNA1 protein function. ClinVar contains an entry for this variant (Variation ID: 1500942). This variant has not been reported in the literature in individuals affected with KCNA1-related conditions. This variant is present in population databases (rs767728993, gnomAD 0.003%). This sequence change replaces tyrosine, which is neutral and polar, with histidine, which is basic and polar, at codon 149 of the KCNA1 protein (p.Tyr149His).

NM_000217.3(KCNA1):c.445T>C (p.Tyr149His)

Gene: KCNA1 (potassium voltage-gated channel subfamily A member 1; plus strand). Cytogenetic location: 12p13.32.
Variant type: single nucleotide variant.
Coding change: c.445T>C on transcript NM_000217.3 (MANE Select); coding-DNA position 445, T replaced by C.
Protein change: p.Tyr149His; replaces tyrosine 149 with histidine.
Molecular consequence: missense variant.
Genome position (GRCh38, 1-based): chr12:4,911,823, T>C. VCF-style: chr12-4911823-T-C. GRCh37 (hg19) VCF-style: chr12-5020989-T-C.
Other names: short protein forms Y149H.
Identifiers: ClinVar variation 1500942 (VCV001500942.8), dbSNP rs767728993, ClinGen allele CA6399389.
Genomic context (GRCh38, chr12:4,911,823, plus strand): 5'-AAGTTCCGGGAGGACGAGGGCTTCATCAAGGAGGAGGAGCGCCCTCTGCCCGAGAAGGAG[T>C]ACCAGCGCCAGGTGTGGCTGCTCTTCGAGTACCCCGAGAGCTCGGGGCCCGCCAGGGTCA-3'
Protein context (NP_000208.2, residues 139-159): EEERPLPEKE[Tyr149His]QRQVWLLFEY